The following is an entry in ClinVar:

NM_006846.4(SPINK5):c.2240+165A>G

Gene: SPINK5 (serine peptidase inhibitor Kazal type 5; plus strand). Cytogenetic location: 5q32.
Variant type: single nucleotide variant.
Coding change: c.2240+165A>G on transcript NM_006846.4 (MANE Select); 165 bases into the intron after coding-DNA position 2240, A replaced by G.
Molecular consequence: intron variant.
Genome position (GRCh38, 1-based): chr5:148,118,729, A>G. VCF-style: chr5-148118729-A-G. GRCh37 (hg19) VCF-style: chr5-147498292-A-G.
Other names: c.2240+165A>G (NM_001127698.2, NM_001127699.2).
Identifiers: ClinVar variation 674426 (VCV000674426.1), dbSNP rs3764928, ClinGen allele CA12038941.
Genomic context (GRCh38, chr5:148,118,729, plus strand): 5'-TTGCTAATTTCCAAATATTCTATTTTTTTCTCTTGCGTTCTCTAAGGAACAATGAGCCTT[A>G]GCAAGGGCAGCTAACCAAGTGGCTGATTTCTATTGTATTTTCTATTACAATTCTGTGAAC-3'

ClinVar aggregate classification (germline): Benign (1 of 4 stars; one submission).

Allele frequency attached by ClinVar (database versions not stated): 1000 Genomes Project 30x 0.48829; 1000 Genomes Project 0.48842; TOPMed 0.53627; gnomAD 0.54154 and 0.54207.
gnomAD v4.1: 82,463 of 152,024 alleles (54%); highest among the groups gnomAD compares: Admixed American, 64%; 23,529 homozygotes.

Submission:

GeneDx
Classification: Benign. Last evaluated: 2018-06-14. Review status: criteria provided, single submitter. Criteria: GeneDx Variant Classification (06012015). Collection method: clinical testing. Allele origin: germline. Affected: yes.
Comment: This variant is considered likely benign or benign based on one or more of the following criteria: it is a conservative change, it occurs at a poorly conserved position in the protein, it is predicted to be benign by multiple in silico algorithms, and/or has population frequency not consistent with disease.